The following is an entry in ClinVar:

ClinVar aggregate classification (germline): Uncertain significance. Review status: criteria provided, multiple submitters, no conflicts (2 of 4 stars). 3 submissions from 3 submitters: Uncertain significance (3). Last evaluated 2026-07-06.

Conditions:
Malignant hyperthermia, susceptibility to, 1 (MHS1). Also called: Anesthesia related hyperthermia; Malignant hyperpyrexia; Fulminating hyperpyrexia; Pharmacogenic myopathy; RYR1-Related Malignant Hyperthermia Susceptibility; Malignant hyperthermia suceptibility 1. Identifiers: Orphanet 423, MedGen C2930980, MONDO:0007783, OMIM 145600.
Inborn genetic diseases. Identifiers: MedGen C0950123, MeSH D030342.

Allele frequency attached by ClinVar (database versions not stated): gnomAD 0.00005; TOPMed 0.00004.
gnomAD v4.1: 47 of 1,564,520 alleles (0.003%); highest among the groups gnomAD compares: Non-Finnish European, 0.0036%; no homozygotes.

Submissions (3):

Ambry Genetics
Classification: Uncertain significance for Inborn genetic diseases. Last evaluated: 2026-07-06. Review status: criteria provided, single submitter. Criteria: Ambry Variant Classification Scheme 2023. Collection method: clinical testing. Allele origin: germline.
Comment: The p.G1339R variant (also known as c.4015G>C), located in coding exon 28 of the RYR1 gene, results from a G to C substitution at nucleotide position 4015. The glycine at codon 1339 is replaced by arginine, an amino acid with dissimilar properties. This amino acid position is conserved. In addition, the in silico prediction for this alteration is inconclusive. Based on the available evidence, the clinical significance of this variant remains unclear.

Color Diagnostics, LLC DBA Color Health
Classification: Uncertain significance for Malignant hyperthermia, susceptibility to, 1. Last evaluated: 2025-11-17. Review status: criteria provided, single submitter. Criteria: ACMG Guidelines, 2015. Collection method: clinical testing. Allele origin: germline.
Comment: This missense variant replaces glycine with arginine at codon 1339 of the RYR1 protein. Computational prediction suggests that this variant may not impact protein structure and function. To our knowledge, functional studies have not been reported for this variant. This variant has not been reported in individuals affected with RYR1-related disorders in the literature. This variant has been identified in 2/31284 chromosomes in the general population by the Genome Aggregation Database (gnomAD). The available evidence is insufficient to determine the role of this variant in disease conclusively. Therefore, this variant is classified as a Variant of Uncertain Significance.

Revvity Omics, Revvity
Classification: Uncertain significance. Last evaluated: 2020-07-09. Review status: criteria provided, single submitter. Criteria: ACMG Guidelines, 2015. Collection method: clinical testing. Allele origin: germline.

NM_000540.3(RYR1):c.4015G>C (p.Gly1339Arg)

Gene: RYR1 (ryanodine receptor 1; plus strand). Cytogenetic location: 19q13.2.
Variant type: single nucleotide variant.
Coding change: c.4015G>C on transcript NM_000540.3 (MANE Select); coding-DNA position 4015, G replaced by C.
Protein change: p.Gly1339Arg; replaces glycine 1339 with arginine.
Molecular consequence: missense variant.
Genome position (GRCh38, 1-based): chr19:38,473,626, G>C. VCF-style: chr19-38473626-G-C. GRCh37 (hg19) VCF-style: chr19-38964266-G-C.
Other names: c.4015G>C, p.Gly1339Arg (NM_001042723.2); short protein forms G1339R.
Identifiers: ClinVar variation 2435504 (VCV002435504.5), dbSNP rs969582221, ClinGen allele CA308079763.